The following is an entry in ClinVar:

NM_000141.5(FGFR2):c.1244T>C (p.Val415Ala)

Gene: FGFR2 (fibroblast growth factor receptor 2; minus strand). Cytogenetic location: 10q26.13.
Variant type: single nucleotide variant.
Coding change: c.1244T>C on transcript NM_000141.5 (MANE Select); coding-DNA position 1244, T replaced by C.
Protein change: p.Val415Ala; replaces valine 415 with alanine.
Molecular consequence: missense variant. On other transcripts: non-coding transcript variant (1), intron variant (1).
Genome position (GRCh38, 1-based): chr10:121,515,160, A>G on the plus strand (T>C on the coding strand, the complement: FGFR2 is on the minus strand). VCF-style: chr10-121515160-A-G. GRCh37 (hg19) VCF-style: chr10-123274674-A-G.
Other names: c.1247T>C, p.Val416Ala (NM_001144913.1, NM_022970.4); c.908T>C, p.Val303Ala (NM_001144914.1); c.977T>C, p.Val326Ala (NM_001144915.2, NM_023029.3); c.899T>C, p.Val300Ala (NM_001144916.2, NM_001144918.2); c.980T>C, p.Val327Ala (NM_001144919.2); c.560T>C, p.Val187Ala (NM_001320654.2); c.1244T>C, p.Val415Ala (NM_001320658.2); c.939+4819T>C (NM_001144917.2); short protein forms V187A, V327A, V416A, V326A, V415A, V300A, V303A.
Identifiers: ClinVar variation 3707377 (VCV003707377.2).

ClinVar aggregate classification (germline): Uncertain significance (1 of 4 stars; one submission).

Conditions:
FGFR2-related craniosynostosis. Identifiers: MedGen CN231480.

gnomAD v4.1: 3 of 1,614,052 alleles (0.00019%); highest among the groups gnomAD compares: African/African-American, 0.004%; no homozygotes.

Submission:

Labcorp Genetics (formerly Invitae), Labcorp
Classification: Uncertain significance for FGFR2-related craniosynostosis. Last evaluated: 2024-05-23. Review status: criteria provided, single submitter. Criteria: Invitae Variant Classification Sherloc (09022015). Collection method: clinical testing. Allele origin: germline.
Comment: This sequence change replaces valine, which is neutral and non-polar, with alanine, which is neutral and non-polar, at codon 415 of the FGFR2 protein (p.Val415Ala). This variant is present in population databases (no rsID available, gnomAD 0.01%). This variant has not been reported in the literature in individuals affected with FGFR2-related conditions. Advanced modeling of protein sequence and biophysical properties (such as structural, functional, and spatial information, amino acid conservation, physicochemical variation, residue mobility, and thermodynamic stability) performed at Invitae indicates that this missense variant is expected to disrupt FGFR2 protein function with a positive predictive value of 80%. In summary, the available evidence is currently insufficient to determine the role of this variant in disease. Therefore, it has been classified as a Variant of Uncertain Significance.